The following is an entry in ClinVar:

ClinVar aggregate classification (germline): Uncertain significance (1 of 4 stars; one submission).

Conditions:
Charcot-Marie-Tooth disease axonal type 2O. Also called: Charcot-Marie-Tooth Neuropathy Type 2O; Charcot-Marie-Tooth disease, axonal, type 20; CHARCOT-MARIE-TOOTH NEUROPATHY, AXONAL, TYPE 2O; CHARCOT-MARIE-TOOTH DISEASE, AXONAL, AUTOSOMAL DOMINANT, TYPE 2O. Identifiers: Orphanet 284232, MedGen C3280220, MONDO:0013644, OMIM 614228.

Submission:

Labcorp Genetics (formerly Invitae), Labcorp
Classification: Uncertain significance for Charcot-Marie-Tooth disease axonal type 2O. Last evaluated: 2021-02-02. Review status: criteria provided, single submitter. Criteria: Invitae Variant Classification Sherloc (09022015). Collection method: clinical testing. Allele origin: germline.
Comment: In summary, the available evidence is currently insufficient to determine the role of this variant in disease. Therefore, it has been classified as a Variant of Uncertain Significance. Algorithms developed to predict the effect of missense changes on protein structure and function (SIFT, PolyPhen-2, Align-GVGD) all suggest that this variant is likely to be tolerated, but these predictions have not been confirmed by published functional studies and their clinical significance is uncertain. This variant has not been reported in the literature in individuals with DYNC1H1-related disease. This variant is not present in population databases (ExAC no frequency). This sequence change replaces alanine with valine at codon 3362 of the DYNC1H1 protein (p.Ala3362Val). The alanine residue is moderately conserved and there is a small physicochemical difference between alanine and valine.

NM_001376.5(DYNC1H1):c.10085C>T (p.Ala3362Val)

Gene: DYNC1H1 (dynein cytoplasmic 1 heavy chain 1; plus strand). Cytogenetic location: 14q32.31.
Variant type: single nucleotide variant.
Coding change: c.10085C>T on transcript NM_001376.5 (MANE Select); coding-DNA position 10085, C replaced by T.
Protein change: p.Ala3362Val; replaces alanine 3362 with valine.
Molecular consequence: missense variant.
Genome position (GRCh38, 1-based): chr14:102,033,070, C>T. VCF-style: chr14-102033070-C-T. GRCh37 (hg19) VCF-style: chr14-102499407-C-T.
Other names: short protein forms A3362V.
Identifiers: ClinVar variation 1391954 (VCV001391954.8), dbSNP rs2152591666, ClinGen allele CA391021663.